The following is an entry in ClinVar:

NM_004963.4(GUCY2C):c.997G>C (p.Gly333Arg)

Genes: GUCY2C (guanylate cyclase 2C; minus strand), GUCY2C-AS1 (GUCY2C antisense RNA 1; plus strand). Cytogenetic location: 12p12.3.
Variant type: single nucleotide variant.
Coding change: c.997G>C on transcript NM_004963.4 (MANE Select); coding-DNA position 997, G replaced by C.
Protein change: p.Gly333Arg; replaces glycine 333 with arginine.
Molecular consequence: missense variant.
Genome position (GRCh38, 1-based): chr12:14,674,712, C>G on the plus strand (G>C on the coding strand, the complement: GUCY2C is on the minus strand). VCF-style: chr12-14674712-C-G. GRCh37 (hg19) VCF-style: chr12-14827646-C-G.
Other names: c.997G>C (NM_004963.3); short protein forms G333R.
Identifiers: ClinVar variation 1473864 (VCV001473864.9), dbSNP rs1349921916, ClinGen allele CA384001444.

ClinVar aggregate classification (germline): Uncertain significance. Review status: criteria provided, multiple submitters, no conflicts (2 of 4 stars). 2 submissions from 2 submitters: Uncertain significance (2). Last evaluated 2025-09-01.

Conditions:
Inborn genetic diseases. Identifiers: MedGen C0950123, MeSH D030342.

Allele frequency attached by ClinVar (database versions not stated): gnomAD exomes below 0.00001 and 0.00002; TOPMed below 0.00001.
gnomAD v4.1: 25 of 1,611,440 alleles (0.0016%); highest among the groups gnomAD compares: Non-Finnish European, 0.002%; no homozygotes.

Submissions (2):

Ambry Genetics
Classification: Uncertain significance for Inborn genetic diseases. Last evaluated: 2025-09-01. Review status: criteria provided, single submitter. Criteria: Ambry Variant Classification Scheme 2023. Collection method: clinical testing. Allele origin: germline.

Labcorp Genetics (formerly Invitae), Labcorp
Classification: Uncertain significance. Last evaluated: 2023-12-07. Review status: criteria provided, single submitter. Criteria: Invitae Variant Classification Sherloc (09022015). Collection method: clinical testing. Allele origin: germline.
Comment: This sequence change replaces glycine, which is neutral and non-polar, with arginine, which is basic and polar, at codon 333 of the GUCY2C protein (p.Gly333Arg). This variant is not present in population databases (gnomAD no frequency). This variant has not been reported in the literature in individuals affected with GUCY2C-related conditions. ClinVar contains an entry for this variant (Variation ID: 1473864). Advanced modeling of protein sequence and biophysical properties (such as structural, functional, and spatial information, amino acid conservation, physicochemical variation, residue mobility, and thermodynamic stability) performed at Invitae indicates that this missense variant is expected to disrupt GUCY2C protein function with a positive predictive value of 80%. In summary, the available evidence is currently insufficient to determine the role of this variant in disease. Therefore, it has been classified as a Variant of Uncertain Significance.